The following is an entry in ClinVar:

NM_006254.4(PRKCD):c.315G>A (p.Trp105Ter)

Gene: PRKCD (protein kinase C delta; plus strand). Cytogenetic location: 3p21.1.
Variant type: single nucleotide variant.
Coding change: c.315G>A on transcript NM_006254.4 (MANE Select); coding-DNA position 315, G replaced by A.
Protein change: p.Trp105Ter; replaces tryptophan 105 with a stop codon.
Molecular consequence: nonsense.
Genome position (GRCh38, 1-based): chr3:53,179,776, G>A. VCF-style: chr3-53179776-G-A. GRCh37 (hg19) VCF-style: chr3-53213792-G-A.
Other names: c.315G>A, p.Trp105Ter (NM_001316327.2, NM_001354679.2, NM_001354680.2 and 1 more transcripts); c.372G>A, p.Trp124Ter (NM_001354676.2); c.363G>A, p.Trp121Ter (NM_001354678.2); short protein forms W105*, W121*, W124*.
Identifiers: ClinVar variation 1454501 (VCV001454501.8), dbSNP rs2107257487, ClinGen allele CA353233437.

ClinVar aggregate classification (germline): Conflicting classifications of pathogenicity. Review status: criteria provided, conflicting classifications (1 of 4 stars). 3 submissions from 3 submitters: Pathogenic (1); Uncertain significance (2). Last evaluated 2024-09-22.

Conditions:
Autoimmune lymphoproliferative syndrome, type III caused by mutation in PRKCD. Identifiers: Orphanet 3261, Orphanet 664711, MedGen C3809928, MONDO:8000024, OMIM 615559.

Submissions (3):

Genomic Medicine Center of Excellence, King Faisal Specialist Hospital and Research Centre
Classification: Uncertain significance for Autoimmune lymphoproliferative syndrome, type III caused by mutation in PRKCD. Last evaluated: 2024-09-22. Review status: criteria provided, single submitter. Criteria: ACMG Guidelines, 2015. Collection method: clinical testing. Allele origin: germline.

GeneDx
Classification: Uncertain significance. Last evaluated: 2022-01-13. Review status: criteria provided, single submitter. Criteria: GeneDx Variant Classification Process June 2021. Collection method: clinical testing. Allele origin: germline. Affected: yes.
Comment: Not observed at significant frequency in large population cohorts (gnomAD); Nonsense variant predicted to result in protein truncation or nonsense mediated decay in a gene for which loss-of-function is not a known mechanism of disease; Has not been previously published as pathogenic or benign to our knowledge

Labcorp Genetics (formerly Invitae), Labcorp
Classification: Pathogenic for Autoimmune lymphoproliferative syndrome, type III caused by mutation in PRKCD. Last evaluated: 2021-11-18. Review status: criteria provided, single submitter. Criteria: Invitae Variant Classification Sherloc (09022015). Collection method: clinical testing. Allele origin: germline.
Comment: For these reasons, this variant has been classified as Pathogenic. Algorithms developed to predict the effect of sequence changes on RNA splicing suggest that this variant may disrupt the consensus splice site. This variant has not been reported in the literature in individuals affected with PRKCD-related conditions. This variant is not present in population databases (gnomAD no frequency). This sequence change creates a premature translational stop signal (p.Trp105*) in the PRKCD gene. It is expected to result in an absent or disrupted protein product. Loss-of-function variants in PRKCD are known to be pathogenic (PMID: 11976687, 23319571, 23430113).

Literature cited by the submitters: PubMed 11976687 (cited by Labcorp Genetics (formerly Invitae), Labcorp); PubMed 23319571 (cited by Labcorp Genetics (formerly Invitae), Labcorp); PubMed 23430113 (cited by Labcorp Genetics (formerly Invitae), Labcorp).